The following is an entry in ClinVar:

NM_032444.4(SLX4):c.5423T>G (p.Phe1808Cys)

Gene: SLX4 (SLX4 structure-specific endonuclease subunit; minus strand). Cytogenetic location: 16p13.3.
Variant type: single nucleotide variant.
Coding change: c.5423T>G on transcript NM_032444.4 (MANE Select); coding-DNA position 5423, T replaced by G.
Protein change: p.Phe1808Cys; replaces phenylalanine 1808 with cysteine.
Molecular consequence: missense variant.
Genome position (GRCh38, 1-based): chr16:3,582,424, A>C on the plus strand (T>G on the coding strand, the complement: SLX4 is on the minus strand). VCF-style: chr16-3582424-A-C. GRCh37 (hg19) VCF-style: chr16-3632425-A-C.
Other names: short protein forms F1808C.
Identifiers: ClinVar variation 948967 (VCV000948967.10), dbSNP rs371390105, ClinGen allele CA276951801.

ClinVar aggregate classification (germline): Uncertain significance. Review status: criteria provided, multiple submitters, no conflicts (2 of 4 stars). 2 submissions from 2 submitters: Uncertain significance (2). Last evaluated 2022-07-25.

Conditions:
Fanconi anemia (FA). Also called: Fanconi's anemia. Identifiers: Orphanet 84, MedGen C0015625, MeSH D005199, MONDO:0019391.

Allele frequency attached by ClinVar (database versions not stated): gnomAD exomes below 0.00001; gnomAD 0.00002; TOPMed 0.00002; ESP Exome Variant Server 0.00008.
gnomAD v4.1: 25 of 1,613,762 alleles (0.0015%); highest among the groups gnomAD compares: Non-Finnish European, 0.0019%; no homozygotes.

Submissions (2):

Labcorp Genetics (formerly Invitae), Labcorp
Classification: Uncertain significance for Fanconi anemia. Last evaluated: 2022-07-25. Review status: criteria provided, single submitter. Criteria: Invitae Variant Classification Sherloc (09022015). Collection method: clinical testing. Allele origin: germline.
Comment: This sequence change replaces phenylalanine, which is neutral and non-polar, with cysteine, which is neutral and slightly polar, at codon 1808 of the SLX4 protein (p.Phe1808Cys). This variant is present in population databases (rs371390105, gnomAD 0.002%). This variant has not been reported in the literature in individuals affected with SLX4-related conditions. ClinVar contains an entry for this variant (Variation ID: 948967). Algorithms developed to predict the effect of missense changes on protein structure and function (SIFT, PolyPhen-2, Align-GVGD) all suggest that this variant is likely to be disruptive. In summary, the available evidence is currently insufficient to determine the role of this variant in disease. Therefore, it has been classified as a Variant of Uncertain Significance.

Genetic Services Laboratory, University of Chicago
Classification: Uncertain significance. Last evaluated: 2019-12-16. Review status: criteria provided, single submitter. Criteria: ACMG Guidelines, 2015. Collection method: clinical testing. Allele origin: germline. Affected: no.
Comment: DNA sequence analysis of the SLX4 gene demonstrated a sequence change, c.5423T>G, in exon 15 that results in an amino acid change, p.Phe1808Cys. This sequence change does not appear to have been previously described in patients with SLX4-related disorders and has been described in the gnomAD database with a low population frequency of 0.0023% in non-Finnish European subpopulation (dbSNP rs371390105). The p.Phe1808Cys change affects a highly conserved amino acid residue located in a domain of the SLX4 protein that is not known to be functional. The p.Phe1808Cys substitution appears to be deleterious using several in-silico pathogenicity prediction tools (SIFT, PolyPhen2, Align GVGD, REVEL). Due to these evidences and the lack of functional studies, the clinical significance of the p.Phe1808Cys change remains unknown at this time.